The following is an entry in ClinVar:

NM_003392.7(WNT5A):c.468G>T (p.Glu156Asp)

Gene: WNT5A (Wnt family member 5A; minus strand). Cytogenetic location: 3p14.3.
Variant type: single nucleotide variant.
Coding change: c.468G>T on transcript NM_003392.7 (MANE Select); coding-DNA position 468, G replaced by T.
Protein change: p.Glu156Asp; replaces glutamic acid 156 with aspartic acid.
Molecular consequence: missense variant.
Genome position (GRCh38, 1-based): chr3:55,474,553, C>A on the plus strand (G>T on the coding strand, the complement: WNT5A is on the minus strand). VCF-style: chr3-55474553-C-A. GRCh37 (hg19) VCF-style: chr3-55508581-C-A.
Other names: c.423G>T, p.Glu141Asp (NM_001256105.1, NM_001377271.1, NM_001377272.1); short protein forms E141D, E156D.
Identifiers: ClinVar variation 4085144 (VCV004085144.8).

ClinVar aggregate classification (germline): Uncertain significance (1 of 4 stars; one submission).

Submission:

CeGaT Center for Human Genetics Tuebingen
Classification: Uncertain significance. Last evaluated: 2025-06-01. Review status: criteria provided, single submitter. Criteria: CeGaT Center For Human Genetics Tuebingen Variant Classification Criteria Version 2. Collection method: clinical testing. Allele origin: germline. Affected: yes. Observed: 1 variant allele.
Comment: WNT5A: PM2